The following is an entry in ClinVar:

ClinVar aggregate classification (germline): Conflicting classifications of pathogenicity. Review status: criteria provided, conflicting classifications (1 of 4 stars). 11 submissions from 10 submitters: Pathogenic (1); Likely pathogenic (7); Uncertain significance (3). Last evaluated 2026-02-19.

Conditions:
Glycogen storage disease, type IV (GSD4). Also called: AMYLOPECTINOSIS; ANDERSEN DISEASE; BRANCHER DEFICIENCY; CIRRHOSIS, FAMILIAL, WITH DEPOSITION OF ABNORMAL GLYCOGEN; Glycogen storage disease due to glycogen branching enzyme deficiency; GBE1 DEFICIENCY. Identifiers: Orphanet 367, MedGen C0017923, MONDO:0009292, OMIM 232500.
Glycogen storage disease IV, classic hepatic. Also called: GSD IV, CLASSIC HEPATIC. Identifiers: MedGen C1856301.
Adult polyglucosan body disease (APBN). Also called: GBE1-Adult Polyglucosan Body Disease; POLYGLUCOSAN BODY DISEASE, ADULT FORM. Identifiers: Orphanet 206583, MedGen C1849722, MONDO:0009897, OMIM 263570.
Arthrogryposis multiplex congenita (AMC). Also called: Congenital multiple arthrogryposis; Fibrous ankylosis of multiple joints; Congenital arthromyodysplasia; Myodystrophia fetalis deformans; Otto syndrome; Rocher-Sheldon syndrome. Identifiers: Orphanet 1037, MedGen C5779613, MeSH D001176, MONDO:0015168, HP:0002804.
Fetal akinesia deformation sequence 1 (FADS1). Also called: Fetal akinesia sequence; Pena-Shokeir syndrome type I. Identifiers: Orphanet 994, MedGen C1276035, MONDO:0100101, OMIM 208150, HP:0001989.

Allele frequency attached by ClinVar (database versions not stated): ExAC 0.00001; gnomAD 0.00001; gnomAD exomes 0.00001; TOPMed 0.00001.
gnomAD v4.1: 26 of 1,586,342 alleles (0.0016%); highest among the groups gnomAD compares: African/African-American, 0.0027%; no homozygotes.

Submissions (11):

Victorian Clinical Genetics Services, Murdoch Childrens Research Institute
Classification: Pathogenic for Glycogen storage disease, type IV. Last evaluated: 2026-02-19. Review status: criteria provided, single submitter. Criteria: ACMG Guidelines, 2015. Collection method: clinical testing. Allele origin: germline. Affected: yes.
Comment: This variant is classified as Pathogenic. Evidence in support of pathogenic classification: Variant is present in gnomAD <0.01 for a recessive condition (v4: 26 heterozygote(s), 0 homozygote(s)); This variant has strong previous evidence of pathogenicity in unrelated individuals. This variant has been classified as both likely pathogenic and as a VUS by clinical laboratories in ClinVar. Additionally, it has been reported in a homozygous state in three unrelated neonates with glycogen storage disease (PMID: 37628374, 38545656, 31680123); Another missense variant comparable to the one identified in this case has moderate previous evidence for pathogenicity. The p.(Arg565Gln) variant has been classified as likely pathogenic/pathogenic by clinical laboratories in ClinVar; Missense variant predicted to be damaging by in silico tool(s) or highly conserved with a major amino acid change. Additional information: Variant is predicted to result in a missense amino acid change from Arg to Trp; This variant is heterozygous; This gene is associated with autosomal recessive disease; Alternative amino acid change(s) at the same position are present in gnomAD (highest allele count: v4: 20 heterozygote(s), 0 homozygote(s)); No published evidence of segregation with disease has been identified for this variant; No published functional evidence has been identified for this variant; Variant is not located in an established domain, motif, hotspot or informative constraint region; Loss of function is a known mechanism of disease in this gene and is associated with glycogen storage disease due to glycogen branching enzyme deficiency (MONDO:0009292); Inheritance information for this variant is not currently available in this individual.

Natera, Inc.
Classification: Likely pathogenic for Glycogen storage disease type IV. Last evaluated: 2025-10-13. Review status: criteria provided, single submitter. Criteria: Natera Variant Classification Schema (03/2026). Collection method: clinical testing. Allele origin: germline.
Comment: The c.1693C>T variant in GBE1 is a missense variant predicted to cause substitution of arginine to tryptophan at amino acid 565. This variant is rare in the general population with a frequency below the threshold expected for the associated phenotype(s). This variant has been observed in one or more individuals affected with the associated recessive disease, as either homozygous or compound heterozygous with a second variant (PMID: 31680123, 37628374). This variant has been identified in one or more affected individual with a phenotype highly consistent with the associated gene (PMID: 37628374). Computational prediction algorithms indicate this variant is likely to affect gene or protein function. Given the available evidence, this variant is classified as Likely Pathogenic.

3billion
Classification: Likely pathogenic for Glycogen storage disease, type IV. Last evaluated: 2025-06-25. Review status: criteria provided, single submitter. Criteria: ACMG Guidelines, 2015. Collection method: clinical testing. Allele origin: germline. Affected: yes.
Comment: The variant is observed at an extremely low frequency in the gnomAD v4.1.0 dataset (total allele frequency: 0.002%). Predicted Consequence/Location: Missense variant. The majority of the known disease-causing variants of this gene are variants expected to result in premature termination of the protein. In silico tool predictions suggest damaging effect of the variant on gene or gene product [REVEL: 0.91 (>=0.6, sensitivity 0.68 and specificity 0.92); 3Cnet: 0.75 (> 0.75, sensitivity 0.96 and precision 0.92)]. The same nucleotide change resulting in the same amino acid change has been previously reported as pathogenic/likely pathogenic with strong evidence (ClinVar ID: VCV000425301 /PMID: 31680123). A different missense change at the same codon (p.Arg565Gln) has been reported to be associated with GBE1-related disorder (PMID: 23034915). Therefore, this variant is classified as Likely pathogenic according to the recommendation of ACMG/AMP guideline.

Labcorp Genetics (formerly Invitae), Labcorp
Classification: Likely pathogenic for Glycogen storage disease, type IV; Glycogen storage disease IV, classic hepatic. Last evaluated: 2024-10-21. Review status: criteria provided, single submitter. Criteria: Invitae Variant Classification Sherloc (09022015). Collection method: clinical testing. Allele origin: germline.
Comment: This sequence change replaces arginine, which is basic and polar, with tryptophan, which is neutral and slightly polar, at codon 565 of the GBE1 protein (p.Arg565Trp). The frequency data for this variant in the population databases is considered unreliable, as metrics indicate poor data quality at this position in the gnomAD database. This missense change has been observed in individuals with clinical features of GBE1-related conditions (PMID: 31680123, 37628374; internal data). ClinVar contains an entry for this variant (Variation ID: 425301). Invitae Evidence Modeling of protein sequence and biophysical properties (such as structural, functional, and spatial information, amino acid conservation, physicochemical variation, residue mobility, and thermodynamic stability) indicates that this missense variant is expected to disrupt GBE1 protein function with a positive predictive value of 95%. In summary, the currently available evidence indicates that the variant is pathogenic, but additional data are needed to prove that conclusively. Therefore, this variant has been classified as Likely Pathogenic.

Baylor Genetics
Classification: Likely pathogenic for Glycogen storage disease, type IV. Last evaluated: 2024-02-02. Review status: criteria provided, single submitter. Criteria: ACMG Guidelines, 2015. Collection method: clinical testing. Allele origin: unknown.

Women's Health and Genetics/Laboratory Corporation of America, LabCorp
Classification: Uncertain significance. Last evaluated: 2023-08-28. Review status: criteria provided, single submitter. Criteria: LabCorp Variant Classification Summary - May 2015. Collection method: clinical testing. Allele origin: germline.
Comment: Variant summary: GBE1 c.1693C>T (p.Arg565Trp) results in a non-conservative amino acid change located in the Glycosyl hydrolase, family 13, catalytic domain (IPR006047) of the encoded protein sequence. Five of five in-silico tools predict a damaging effect of the variant on protein function. The variant allele was found at a frequency of 8.9e-06 in 224694 control chromosomes. c.1693C>T has been reported in the literature in and individual affected with fetal akinesia (Pergande_2020). To our knowledge, no experimental evidence demonstrating an impact on protein function has been reported. The following publication have been ascertained in the context of this evaluation (PMID: 31680123). Six submitters have cited clinical-significance assessments for this variant to ClinVar after 2014 and classified as VUS (n=3) and likely pathogenic (n=3). Based on the evidence outlined above, the variant was classified as VUS-possibly pathogenic.

Broad Center for Mendelian Genomics, Broad Institute of MIT and Harvard
Classification: Uncertain significance for Glycogen storage disease, type IV. Last evaluated: 2022-01-27. Review status: criteria provided, single submitter. Criteria: ACMG Guidelines, 2015. Collection method: curation. Allele origin: germline. Inheritance: Autosomal recessive inheritance.
Comment: The p.Arg565Trp variant in GBE1 has been reported in 1 individual in the homozygous state with glycogen storage disease type IV (GSD IV) (PMID: 31680123) and has been identified in 0.004% (1/27172) of South Asian chromosomes by the Genome Aggregation Database (gnomAD; dbSNP ID: rs552094593). Although this variant has been seen in the general population in a heterozygous state, its frequency is low enough to be consistent with a recessive carrier frequency. This variant has also been reported in ClinVar (Variation ID#: 425301) and has been interpreted as likely pathogenic by Cirak Lab (University Hospital Cologne), CeGaT Praxis fuer Humangenetik Tuebingen, Baylor Genetics, and a variant of uncertain significance by Mayo Clinic Laboratories. Computational prediction tools and conservation analyses suggest that this variant may impact the protein, though this information is not predictive enough to determine pathogenicity. In summary, the clinical significance of the p.Arg565Trp variant is uncertain. ACMG/AMP Criteria applied: PP3, PM3_supporting, PM2_supporting (Richards 2015).

Mayo Clinic Laboratories, Mayo Clinic
Classification: Uncertain significance. Last evaluated: 2020-05-21. Review status: criteria provided, single submitter. Criteria: ACMG Guidelines, 2015. Collection method: clinical testing. Allele origin: germline. Observed: 1 variant allele.

Baylor Genetics
Classification: Likely pathogenic for Adult polyglucosan body disease. Last evaluated: 2020-03-10. Review status: criteria provided, single submitter. Criteria: ACMG Guidelines, 2015. Collection method: clinical testing. Allele origin: unknown. Affected: yes.
Comment: This variant was determined to be likely pathogenic according to ACMG Guidelines, 2015 [PMID:25741868].

Cirak Lab, University Hospital Cologne
Classification: Likely pathogenic for Arthrogryposis multiplex congenita; Fetal akinesia sequence. Last evaluated: 2019-06-28. Review status: criteria provided, single submitter. Criteria: ACMG Guidelines, 2015. Collection method: research. Allele origin: inherited. Affected: yes. Observed: 1 variant allele.

CeGaT Center for Human Genetics Tuebingen
Classification: Likely pathogenic. Last evaluated: 2017-04-01. Review status: criteria provided, single submitter. Criteria: CeGaT Center For Human Genetics Tuebingen Variant Classification Criteria Version 2. Collection method: clinical testing. Allele origin: germline. Affected: yes. Observed: 1 variant allele.

Literature cited by the submitters: PubMed 37628374 (cited by 3 submitters); PubMed 31680123 (cited by 6 submitters); PubMed 38545656 (cited by Victorian Clinical Genetics Services, Murdoch Childrens Research Institute); PubMed 23034915 (cited by 3billion).

NM_000158.4(GBE1):c.1693C>T (p.Arg565Trp)

Gene: GBE1 (1,4-alpha-glucan branching enzyme 1; minus strand). Cytogenetic location: 3p12.2.
Variant type: single nucleotide variant.
Coding change: c.1693C>T on transcript NM_000158.4 (MANE Select); coding-DNA position 1693, C replaced by T.
Protein change: p.Arg565Trp; replaces arginine 565 with tryptophan.
Molecular consequence: missense variant.
Genome position (GRCh38, 1-based): chr3:81,537,021, G>A on the plus strand (C>T on the coding strand, the complement: GBE1 is on the minus strand). VCF-style: chr3-81537021-G-A. GRCh37 (hg19) VCF-style: chr3-81586172-G-A.
Other names: NM_000158.4(GBE1):c.1693C>T; short protein forms R565W.
Identifiers: ClinVar variation 425301 (VCV000425301.60), dbSNP rs552094593, ClinGen allele CA2499591.